The following is an entry in ClinVar:

ClinVar aggregate classification (germline): Uncertain significance. Review status: criteria provided, multiple submitters, no conflicts (2 of 4 stars). 2 submissions from 2 submitters: Uncertain significance (2). Last evaluated 2025-09-10.

Conditions:
POLD1-related polyposis and colorectal cancer syndrome (CRCS10). Also called: Colorectal cancer 10; COLORECTAL CANCER, SUSCEPTIBILITY TO, ON CHROMOSOME 19q; Colorectal cancer, susceptibility to, 10. Identifiers: Orphanet 220460, MedGen C2675481, MONDO:0012953, OMIM 612591.
Hereditary cancer-predisposing syndrome. Also called: Neoplastic Syndromes, Hereditary; Tumor predisposition; Hereditary Cancer Syndrome; Hereditary neoplastic syndrome. Identifiers: Orphanet 140162, MedGen C0027672, MeSH D009386, MONDO:0015356.

Submissions (2):

Labcorp Genetics (formerly Invitae), Labcorp
Classification: Uncertain significance for POLD1-related polyposis and colorectal cancer syndrome. Last evaluated: 2025-09-10. Review status: criteria provided, single submitter. Criteria: Invitae Variant Classification Sherloc (09022015). Collection method: clinical testing. Allele origin: germline.
Comment: This sequence change replaces cysteine, which is neutral and slightly polar, with serine, which is neutral and polar, at codon 428 of the POLD1 protein (p.Cys428Ser). This variant is not present in population databases (gnomAD no frequency). This variant has not been reported in the literature in individuals affected with POLD1-related conditions. ClinVar contains an entry for this variant (Variation ID: 1461150). Invitae Evidence Modeling of protein sequence and biophysical properties (such as structural, functional, and spatial information, amino acid conservation, physicochemical variation, residue mobility, and thermodynamic stability) indicates that this missense variant is not expected to disrupt POLD1 protein function with a negative predictive value of 80%. In summary, the available evidence is currently insufficient to determine the role of this variant in disease. Therefore, it has been classified as a Variant of Uncertain Significance.

Ambry Genetics
Classification: Uncertain significance for Hereditary cancer-predisposing syndrome. Last evaluated: 2020-01-06. Review status: criteria provided, single submitter. Criteria: Ambry Variant Classification Scheme 2023. Collection method: clinical testing. Allele origin: germline.
Comment: The p.C428S variant (also known as c.1283G>C), located in coding exon 10 of the POLD1 gene, results from a G to C substitution at nucleotide position 1283. The cysteine at codon 428 is replaced by serine, an amino acid with dissimilar properties. This amino acid position is poorly conserved in available vertebrate species. In addition, this alteration is predicted to be tolerated by in silico analysis. Since supporting evidence is limited at this time, the clinical significance of this alteration remains unclear.

NM_002691.4(POLD1):c.1283G>C (p.Cys428Ser)

Gene: POLD1 (DNA polymerase delta 1, catalytic subunit; plus strand). Cytogenetic location: 19q13.33.
Variant type: single nucleotide variant.
Coding change: c.1283G>C on transcript NM_002691.4 (MANE Select); coding-DNA position 1283, G replaced by C.
Protein change: p.Cys428Ser; replaces cysteine 428 with serine.
Molecular consequence: missense variant. On other transcripts: non-coding transcript variant (1).
Genome position (GRCh38, 1-based): chr19:50,406,222, G>C. VCF-style: chr19-50406222-G-C. GRCh37 (hg19) VCF-style: chr19-50909479-G-C.
Other names: c.1283G>C, p.Cys428Ser (NM_001256849.1, NM_001308632.1); short protein forms C428S.
Identifiers: ClinVar variation 1461150 (VCV001461150.10), dbSNP rs2122317419, ClinGen allele CA406979791.